The following is an entry in ClinVar:

NM_001371596.2(MFSD8):c.1391C>T (p.Ala464Val)

Gene: MFSD8 (major facilitator superfamily domain containing 8; minus strand). Cytogenetic location: 4q28.2.
Variant type: single nucleotide variant.
Coding change: c.1391C>T on transcript NM_001371596.2 (MANE Select); coding-DNA position 1391, C replaced by T.
Protein change: p.Ala464Val; replaces alanine 464 with valine.
Molecular consequence: missense variant.
Genome position (GRCh38, 1-based): chr4:127,920,796, G>A on the plus strand (C>T on the coding strand, the complement: MFSD8 is on the minus strand). VCF-style: chr4-127920796-G-A. GRCh37 (hg19) VCF-style: chr4-128841951-G-A.
Other names: c.1190C>T, p.Ala397Val (NM_001363520.3); c.1076C>T, p.Ala359Val (NM_001363521.3); c.1256C>T, p.Ala419Val (NM_001371590.2); c.1400C>T, p.Ala467Val (NM_001371591.2); c.1397C>T, p.Ala466Val (NM_001371592.2); c.1277C>T, p.Ala426Val (NM_001371593.2); c.1244C>T, p.Ala415Val (NM_001371594.2); c.1109C>T, p.Ala370Val (NM_001371595.1); and 3 more; short protein forms A359V, A370V, A397V, A415V, A419V, A426V, A464V, A466V.
Identifiers: ClinVar variation 1004070 (VCV001004070.4), dbSNP rs758095101, ClinGen allele CA3077228.
Genomic context (GRCh38, chr4:127,920,796, plus strand): 5'-GCCCATCGTGGTCCCCAGTGAGCATACACTTGGCTGATGAACATAGGCCCAAGAATCCGG[G>A]CTCCACTTCCAGATGCTGTTAACCAGCCCATGTATACACCCTGTTGGGGGTGAAATGGAG-3'
Protein context (NP_001358525.1, residues 454-474): MGWLTASGSG[Ala464Val]RILGPMFISQ

ClinVar aggregate classification (germline): Uncertain significance. Review status: criteria provided, single submitter (1 of 4 stars). 2 submissions from 2 submitters: Uncertain significance (1). 1 of the submissions does not count toward it. Last evaluated 2021-11-13.

Conditions:
Late-infantile neuronal ceroid lipofuscinosis. Also called: Jansky-Bielschowsky disease. Identifiers: MedGen C0022340, MONDO:0015674.
Neuronal ceroid lipofuscinosis 7 (CLN7). Also called: MFSD8-Related Neuronal Ceroid-Lipofuscinosis. Identifiers: Orphanet 168491, Orphanet 228366, MedGen C1838571, MONDO:0012588, OMIM 610951.

Allele frequency attached by ClinVar (database versions not stated): gnomAD exomes below 0.00001; TOPMed below 0.00001; ExAC 0.00001; gnomAD 0.00001.
gnomAD v4.1: 3 of 1,613,902 alleles (0.00019%); highest among the groups gnomAD compares: East Asian, 0.0067%; no homozygotes.

Submissions (2):

Labcorp Genetics (formerly Invitae), Labcorp
Classification: Uncertain significance for Neuronal ceroid lipofuscinosis 7. Last evaluated: 2021-11-13. Review status: criteria provided, single submitter. Criteria: Invitae Variant Classification Sherloc (09022015). Collection method: clinical testing. Allele origin: germline.
Comment: This sequence change replaces alanine, which is neutral and non-polar, with valine, which is neutral and non-polar, at codon 464 of the MFSD8 protein (p.Ala464Val). This variant is present in population databases (rs758095101, gnomAD 0.005%). This variant has not been reported in the literature in individuals affected with MFSD8-related conditions. ClinVar contains an entry for this variant (Variation ID: 1004070). Algorithms developed to predict the effect of missense changes on protein structure and function are either unavailable or do not agree on the potential impact of this missense change (SIFT: "Deleterious"; PolyPhen-2: "Probably Damaging"; Align-GVGD: "Class C0"). In summary, the available evidence is currently insufficient to determine the role of this variant in disease. Therefore, it has been classified as a Variant of Uncertain Significance.

Natera, Inc.
Classification: Uncertain significance for Late-infantile neuronal ceroid lipofuscinosis. Last evaluated: 2020-08-24. Review status: no assertion criteria provided. Collection method: clinical testing. Allele origin: germline. Not counted in ClinVar's aggregate classification.